The following is an entry in ClinVar:

ClinVar aggregate classification (germline): Likely benign. Review status: criteria provided, multiple submitters, no conflicts (2 of 4 stars). 3 submissions from 3 submitters: Likely benign (3). Last evaluated 2024-08-07.

Allele frequency attached by ClinVar (database versions not stated): gnomAD exomes 0.00029; gnomAD 0.00056 and 0.00062; TOPMed 0.00063.

Submissions (3):

Blueprint Genetics
Classification: Likely benign. Last evaluated: 2024-08-07. Review status: criteria provided, single submitter. Criteria: ACMG Guidelines, 2015. Collection method: clinical testing. Allele origin: germline.

GeneDx
Classification: Likely benign. Last evaluated: 2017-04-07. Review status: criteria provided, single submitter. Criteria: GeneDx Variant Classification (06012015). Collection method: clinical testing. Allele origin: germline. Affected: yes.
Comment: This variant is considered likely benign or benign based on one or more of the following criteria: it is a conservative change, it occurs at a poorly conserved position in the protein, it is predicted to be benign by multiple in silico algorithms, and/or has population frequency not consistent with disease.

Center for Pediatric Genomic Medicine, Children's Mercy Hospital and Clinics
Classification: Likely benign. Last evaluated: 2016-10-27. Review status: criteria provided, single submitter. Criteria: ACMG Guidelines, 2015. Collection method: clinical testing. Allele origin: germline.
ClinVar note: Converted during submission from Likely Benign to Likely benign.

NM_002641.4(PIGA):c.-75A>G

Gene: PIGA (phosphatidylinositol glycan anchor biosynthesis class A; minus strand). Cytogenetic location: Xp22.2.
Variant type: single nucleotide variant.
Coding change: c.-75A>G on transcript NM_002641.4 (MANE Select); 75 bases upstream of the start codon, A replaced by G.
Molecular consequence: 5 prime UTR variant. On other transcripts: missense variant (1), initiator codon variant (1), non-coding transcript variant (2).
Genome position (GRCh38, 1-based): chrX:15,335,513, T>C on the plus strand (A>G on the coding strand, the complement: PIGA is on the minus strand). VCF-style: chrX-15335513-T-C. GRCh37 (hg19) VCF-style: chrX-15353635-T-C.
Other names: c.1A>G, p.Met1Val (NM_020473.3); short protein forms M1V.
Identifiers: ClinVar variation 376854 (VCV000376854.5), dbSNP rs985880836, ClinGen allele CA16603187.